The following is an entry in ClinVar:

ClinVar aggregate classification (germline): Likely benign. Review status: criteria provided, multiple submitters, no conflicts (2 of 4 stars). 2 submissions from 2 submitters: Likely benign (2). Last evaluated 2025-12-06.

Conditions:
COG7 congenital disorder of glycosylation (CDG2E). Also called: CONGENITAL DISORDER OF GLYCOSYLATION, TYPE IIe; CDG IIe. Identifiers: Orphanet 79333, MedGen C2931010, MONDO:0012118, OMIM 608779.

Allele frequency attached by ClinVar (database versions not stated): TOPMed 0.00002; gnomAD 0.00003.
gnomAD v4.1: 33 of 1,613,988 alleles (0.002%); highest among the groups gnomAD compares: African/African-American, 0.0027%; no homozygotes.

Submissions (2):

Labcorp Genetics (formerly Invitae), Labcorp
Classification: Likely benign for COG7 congenital disorder of glycosylation. Last evaluated: 2025-12-06. Review status: criteria provided, single submitter. Criteria: Invitae Variant Classification Sherloc (09022015). Collection method: clinical testing. Allele origin: germline.

GeneDx
Classification: Likely benign. Last evaluated: 2018-03-30. Review status: criteria provided, single submitter. Criteria: GeneDx Variant Classification (06012015). Collection method: clinical testing. Allele origin: germline. Affected: yes.
Comment: This variant is considered likely benign or benign based on one or more of the following criteria: it is a conservative change, it occurs at a poorly conserved position in the protein, it is predicted to be benign by multiple in silico algorithms, and/or has population frequency not consistent with disease.

NM_153603.4(COG7):c.1914C>T (p.Pro638=)

Gene: COG7 (component of oligomeric golgi complex 7; minus strand). Cytogenetic location: 16p12.2.
Variant type: single nucleotide variant.
Coding change: c.1914C>T on transcript NM_153603.4 (MANE Select); coding-DNA position 1914, C replaced by T.
Protein change: p.Pro638=; no amino-acid change (proline 638 retained).
Molecular consequence: synonymous variant.
Genome position (GRCh38, 1-based): chr16:23,393,321, G>A on the plus strand (C>T on the coding strand, the complement: COG7 is on the minus strand). VCF-style: chr16-23393321-G-A. GRCh37 (hg19) VCF-style: chr16-23404642-G-A.
Identifiers: ClinVar variation 680926 (VCV000680926.4), dbSNP rs111414595, ClinGen allele CA7960835.